The following is an entry in ClinVar:

NM_014714.4(IFT140):c.1118C>T (p.Thr373Ile)

Genes: IFT140 (intraflagellar transport 140; minus strand), LOC105371046 (uncharacterized LOC105371046; plus strand). Cytogenetic location: 16p13.3.
Variant type: single nucleotide variant.
Coding change: c.1118C>T on transcript NM_014714.4 (MANE Select); coding-DNA position 1118, C replaced by T.
Protein change: p.Thr373Ile; replaces threonine 373 with isoleucine.
Molecular consequence: missense variant.
Genome position (GRCh38, 1-based): chr16:1,586,167, G>A on the plus strand (C>T on the coding strand, the complement: IFT140 is on the minus strand). VCF-style: chr16-1586167-G-A. GRCh37 (hg19) VCF-style: chr16-1636168-G-A.
Other names: short protein forms T373I.
Identifiers: ClinVar variation 2965681 (VCV002965681.3), dbSNP rs2034866999, ClinGen allele CA394215797.

ClinVar aggregate classification (germline): Uncertain significance (1 of 4 stars; one submission).

Conditions:
Saldino-Mainzer syndrome (SRTD9). Also called: SHORT-RIB THORACIC DYSPLASIA 9 WITHOUT POLYDACTYLY; short-rib thoracic dysplasia 9 with or without polydactyly; CONORENAL SYNDROME; Renal dysplasia, retinal pigmentary dystrophy, cerebellar ataxia and skeletal dysplasia. Identifiers: Orphanet 140969, MedGen C1849437, MONDO:0009964, OMIM 266920.

Submission:

Labcorp Genetics (formerly Invitae), Labcorp
Classification: Uncertain significance for Saldino-Mainzer syndrome. Last evaluated: 2023-09-23. Review status: criteria provided, single submitter. Criteria: Invitae Variant Classification Sherloc (09022015). Collection method: clinical testing. Allele origin: germline.
Comment: This variant has not been reported in the literature in individuals affected with IFT140-related conditions. In summary, the available evidence is currently insufficient to determine the role of this variant in disease. Therefore, it has been classified as a Variant of Uncertain Significance. Advanced modeling of protein sequence and biophysical properties (such as structural, functional, and spatial information, amino acid conservation, physicochemical variation, residue mobility, and thermodynamic stability) performed at Invitae indicates that this missense variant is not expected to disrupt IFT140 protein function. This variant is not present in population databases (gnomAD no frequency). This sequence change replaces threonine, which is neutral and polar, with isoleucine, which is neutral and non-polar, at codon 373 of the IFT140 protein (p.Thr373Ile).